The following is an entry in ClinVar:

ClinVar aggregate classification (germline): Benign (1 of 4 stars; one submission).

Allele frequency attached by ClinVar (database versions not stated): gnomAD 0.01459 and 0.01570; 1000 Genomes Project 0.01478; TOPMed 0.01603; 1000 Genomes Project 30x 0.01640.
gnomAD v4.1: 2,203 of 152,304 alleles (1.4%); highest among the groups gnomAD compares: African/African-American, 5%; 61 homozygotes.

Submission:

GeneDx
Classification: Benign. Last evaluated: 2018-06-16. Review status: criteria provided, single submitter. Criteria: GeneDx Variant Classification (06012015). Collection method: clinical testing. Allele origin: germline. Affected: yes.
Comment: This variant is considered likely benign or benign based on one or more of the following criteria: it is a conservative change, it occurs at a poorly conserved position in the protein, it is predicted to be benign by multiple in silico algorithms, and/or has population frequency not consistent with disease.

NM_006846.4(SPINK5):c.2867+273T>A

Gene: SPINK5 (serine peptidase inhibitor Kazal type 5; plus strand). Cytogenetic location: 5q32.
Variant type: single nucleotide variant.
Coding change: c.2867+273T>A on transcript NM_006846.4 (MANE Select); 273 bases into the intron after coding-DNA position 2867, T replaced by A.
Molecular consequence: intron variant.
Genome position (GRCh38, 1-based): chr5:148,126,123, T>A. VCF-style: chr5-148126123-T-A. GRCh37 (hg19) VCF-style: chr5-147505686-T-A.
Other names: c.2957+273T>A (NM_001127698.2).
Identifiers: ClinVar variation 673400 (VCV000673400.1), dbSNP rs73271167, ClinGen allele CA128941674.